The following is an entry in ClinVar:

NM_145698.5(ACBD5):c.1429C>A (p.Gln477Lys)

Gene: ACBD5 (acyl-CoA binding domain containing 5; minus strand). Cytogenetic location: 10p12.1.
Variant type: single nucleotide variant.
Coding change: c.1429C>A on transcript NM_145698.5 (MANE Select); coding-DNA position 1429, C replaced by A.
Protein change: p.Gln477Lys; replaces glutamine 477 with lysine.
Molecular consequence: missense variant.
Genome position (GRCh38, 1-based): chr10:27,205,224, G>T on the plus strand (C>A on the coding strand, the complement: ACBD5 is on the minus strand). VCF-style: chr10-27205224-G-T. GRCh37 (hg19) VCF-style: chr10-27494153-G-T.
Other names: c.1324C>A, p.Gln442Lys (NM_001042473.4, NM_001352577.2, NM_001352578.2 and 1 more transcripts); c.1423C>A, p.Gln475Lys (NM_001271512.3); c.1102C>A, p.Gln368Lys (NM_001301251.2, NM_001301252.2, NM_001301253.2 and 2 more transcripts); c.898C>A, p.Gln300Lys (NM_001301254.2); c.1483C>A, p.Gln495Lys (NM_001352568.1); c.1462C>A, p.Gln488Lys (NM_001352569.1); c.1429C>A, p.Gln477Lys (NM_001352570.1); c.1456C>A, p.Gln486Lys (NM_001352571.1); and 10 more; short protein forms Q300K, Q374K, Q484K, Q488K, Q418K, Q477K, Q407K, Q409K.
Identifiers: ClinVar variation 1921024 (VCV001921024.5), dbSNP rs1371798090, ClinGen allele CA376372941.
Genomic context (GRCh38, chr10:27,205,224, plus strand): 5'-CCCTGGCATTTAAATTTTTTAAAAAATGTCTTACCTGTGAGGTGGGCTGAGGAGCAGTCT[G>T]CAATGTTGATGTTGATGATTTTGCCTGTAAATGCAAATGAAGGTGACTTAGCCTTGAAAA-3'
Protein context (NP_663736.2, residues 467-487): LQAKSSTSTL[Gln477Lys]TAPQPTSQRP

ClinVar aggregate classification (germline): Uncertain significance (1 of 4 stars; one submission).

Allele frequency attached by ClinVar (database versions not stated): gnomAD exomes below 0.00001.
gnomAD v4.1: 1 of 1,613,044 alleles (0.000062%); highest among the groups gnomAD compares: Admixed American, 0.0017%; no homozygotes.

Submission:

Labcorp Genetics (formerly Invitae), Labcorp
Classification: Uncertain significance. Last evaluated: 2022-05-05. Review status: criteria provided, single submitter. Criteria: Invitae Variant Classification Sherloc (09022015). Collection method: clinical testing. Allele origin: germline.
Comment: This sequence change replaces glutamine, which is neutral and polar, with lysine, which is basic and polar, at codon 477 of the ACBD5 protein (p.Gln477Lys). Algorithms developed to predict the effect of missense changes on protein structure and function (SIFT, PolyPhen-2, Align-GVGD) all suggest that this variant is likely to be tolerated. In summary, the available evidence is currently insufficient to determine the role of this variant in disease. Therefore, it has been classified as a Variant of Uncertain Significance. The frequency data for this variant in the population databases is considered unreliable, as metrics indicate poor data quality at this position in the gnomAD database. This variant has not been reported in the literature in individuals affected with ACBD5-related conditions.